The following is an entry in ClinVar:

ClinVar aggregate classification (germline): Uncertain significance (1 of 4 stars; one submission).

Submission:

Labcorp Genetics (formerly Invitae), Labcorp
Classification: Uncertain significance. Last evaluated: 2023-05-22. Review status: criteria provided, single submitter. Criteria: Invitae Variant Classification Sherloc (09022015). Collection method: clinical testing. Allele origin: germline.
Comment: In summary, the available evidence is currently insufficient to determine the role of this variant in disease. Therefore, it has been classified as a Variant of Uncertain Significance. Experimental studies and prediction algorithms are not available or were not evaluated, and the functional significance of this variant is currently unknown. ClinVar contains an entry for this variant (Variation ID: 2190227). This variant has not been reported in the literature in individuals affected with MAGEL2-related conditions. This variant is not present in population databases (gnomAD no frequency). This sequence change replaces proline, which is neutral and non-polar, with alanine, which is neutral and non-polar, at codon 456 of the MAGEL2 protein (p.Pro456Ala).

NM_019066.5(MAGEL2):c.1366C>G (p.Pro456Ala)

Gene: MAGEL2 (MAGE family member L2; minus strand). Cytogenetic location: 15q11.2.
Variant type: single nucleotide variant.
Coding change: c.1366C>G on transcript NM_019066.5 (MANE Select); coding-DNA position 1366, C replaced by G.
Protein change: p.Pro456Ala; replaces proline 456 with alanine.
Molecular consequence: missense variant.
Genome position (GRCh38, 1-based): chr15:23,646,377, G>C on the plus strand (C>G on the coding strand, the complement: MAGEL2 is on the minus strand). VCF-style: chr15-23646377-G-C. GRCh37 (hg19) VCF-style: chr15-23891524-G-C.
Other names: short protein forms P456A.
Identifiers: ClinVar variation 2190227 (VCV002190227.4), dbSNP rs1206370868, ClinGen allele CA391334289.